The following is an entry in ClinVar:

NM_017654.4(SAMD9):c.119A>G (p.Asp40Gly)

Gene: SAMD9 (sterile alpha motif domain containing 9; minus strand). Cytogenetic location: 7q21.2.
Variant type: single nucleotide variant.
Coding change: c.119A>G on transcript NM_017654.4 (MANE Select); coding-DNA position 119, A replaced by G.
Protein change: p.Asp40Gly; replaces aspartic acid 40 with glycine.
Molecular consequence: missense variant.
Genome position (GRCh38, 1-based): chr7:93,105,979, T>C on the plus strand (A>G on the coding strand, the complement: SAMD9 is on the minus strand). VCF-style: chr7-93105979-T-C. GRCh37 (hg19) VCF-style: chr7-92735292-T-C.
Other names: c.119A>G, p.Asp40Gly (NM_001193307.2); c.119A>G (NM_017654.3); short protein forms D40G.
Identifiers: ClinVar variation 1440036 (VCV001440036.6), dbSNP rs1791636808, ClinGen allele CA368206051.

ClinVar aggregate classification (germline): Uncertain significance. Review status: criteria provided, multiple submitters, no conflicts (2 of 4 stars). 2 submissions from 2 submitters: Uncertain significance (2). Last evaluated 2025-11-08.

Conditions:
Inborn genetic diseases. Identifiers: MedGen C0950123, MeSH D030342.

Allele frequency attached by ClinVar (database versions not stated): TOPMed below 0.00001.

Submissions (2):

Labcorp Genetics (formerly Invitae), Labcorp
Classification: Uncertain significance. Last evaluated: 2025-11-08. Review status: criteria provided, single submitter. Criteria: Invitae Variant Classification Sherloc (09022015). Collection method: clinical testing. Allele origin: germline.
Comment: This sequence change replaces aspartic acid, which is acidic and polar, with glycine, which is neutral and non-polar, at codon 40 of the SAMD9 protein (p.Asp40Gly). This variant is not present in population databases (gnomAD no frequency). This variant has not been reported in the literature in individuals affected with SAMD9-related conditions. ClinVar contains an entry for this variant (Variation ID: 1440036). Invitae Evidence Modeling of protein sequence and biophysical properties (such as structural, functional, and spatial information, amino acid conservation, physicochemical variation, residue mobility, and thermodynamic stability) indicates that this missense variant is not expected to disrupt SAMD9 protein function with a negative predictive value of 95%. In summary, the available evidence is currently insufficient to determine the role of this variant in disease. Therefore, it has been classified as a Variant of Uncertain Significance.

Ambry Genetics
Classification: Uncertain significance for Inborn genetic diseases. Last evaluated: 2024-12-05. Review status: criteria provided, single submitter. Criteria: Ambry Variant Classification Scheme 2023. Collection method: clinical testing. Allele origin: germline.